The following is an entry in ClinVar:

NM_001943.5(DSG2):c.3039C>A (p.Tyr1013Ter)

Genes: DSG2 (desmoglein 2; plus strand), DSG2-AS1 (DSG2 antisense RNA 1; minus strand). Cytogenetic location: 18q12.1.
Variant type: single nucleotide variant.
Coding change: c.3039C>A on transcript NM_001943.5 (MANE Select); coding-DNA position 3039, C replaced by A.
Protein change: p.Tyr1013Ter; replaces tyrosine 1013 with a stop codon.
Molecular consequence: nonsense.
Genome position (GRCh38, 1-based): chr18:31,546,425, C>A. VCF-style: chr18-31546425-C-A. GRCh37 (hg19) VCF-style: chr18-29126388-C-A.
Other names: c.3039C>A (LRG_397t1); short protein forms Y1013*.
Identifiers: ClinVar variation 392196 (VCV000392196.25), dbSNP rs539821357, ClinGen allele CA047781.
Genomic context (GRCh38, chr18:31,546,425, plus strand): 5'-GCCTCATGGGGGTGGATCGAATCCTCTGGAAGGCACTCAGCATCTTCAAGATGTACCTTA[C>A]GTCATGGTGAGGGAAAGAGAGAGCTTCCTTGCCCCCAGCTCAGGTGTGCAGCCTACTCTG-3'

ClinVar aggregate classification (germline): Conflicting classifications of pathogenicity. Review status: criteria provided, conflicting classifications (1 of 4 stars). 8 submissions from 8 submitters: Pathogenic (1); Likely pathogenic (1); Uncertain significance (6). Last evaluated 2026-01-17.

Conditions:
Cardiomyopathy (CMYO). Also called: Cardiomyopathies. Identifiers: Orphanet 167848, MedGen C0878544, MONDO:0004994, HP:0001638. Inheritance: Various modes of inheritance.
Arrhythmogenic right ventricular dysplasia 10. Also called: Arrhythmogenic right ventricular dysplasia/cardiomyopathy, type 10; Arrhythmogenic Right Ventricular Dysplasia/Cardiomyopathy10; ARRHYTHMOGENIC RIGHT VENTRICULAR DYSPLASIA, FAMILIAL, 10. Identifiers: MedGen C1857777, MONDO:0012434, OMIM 610193.
Cardiovascular phenotype. Identifiers: MedGen CN230736.
Dilated cardiomyopathy 1BB (CMD1BB). Also called: CARDIOMYOPATHY, DILATED, 1BB, SUSCEPTIBILITY TO. Identifiers: Orphanet 154, MedGen C2752072, MONDO:0013030, OMIM 612877.

Allele frequency attached by ClinVar (database versions not stated): gnomAD 0.00001 and 0.00003; TOPMed 0.00001; 1000 Genomes Project 30x 0.00031; 1000 Genomes Project 0.00040.
gnomAD v4.1: 19 of 1,614,156 alleles (0.0012%); highest among the groups gnomAD compares: East Asian, 0.04%; no homozygotes.

Submissions (8):

Labcorp Genetics (formerly Invitae), Labcorp
Classification: Pathogenic for Arrhythmogenic right ventricular dysplasia 10. Last evaluated: 2026-01-17. Review status: criteria provided, single submitter. Criteria: Invitae Variant Classification Sherloc (09022015). Collection method: clinical testing. Allele origin: germline.
Comment: This sequence change creates a premature translational stop signal (p.Tyr1013*) in the DSG2 gene. While this is not anticipated to result in nonsense mediated decay, it is expected to disrupt the last 106 amino acid(s) of the DSG2 protein. This variant is present in population databases (rs539821357, gnomAD 0.09%), and has an allele count higher than expected for a pathogenic variant. This variant has not been reported in the literature in individuals affected with DSG2-related conditions. ClinVar contains an entry for this variant (Variation ID: 392196). This variant disrupts a region of the DSG2 protein in which other variant(s) (p.Glu1020Alafs*18) have been determined to be pathogenic (PMID: 20864495, 21397041, 23381804). This suggests that this is a clinically significant region of the protein, and that variants that disrupt it are likely to be disease-causing. For these reasons, this variant has been classified as Pathogenic.

Color Diagnostics, LLC DBA Color Health
Classification: Uncertain significance for Cardiomyopathy. Last evaluated: 2025-06-30. Review status: criteria provided, single submitter. Criteria: ACMG Guidelines, 2015. Collection method: clinical testing. Allele origin: germline.
Comment: This variant changes 1 nucleotide in exon 15 of the DSG2 gene, creating a premature translation stop signal in the last coding exon. This variant is expected to escape nonsense-mediated decay and be expressed as a truncated protein. To our knowledge, functional studies have not been performed for this variant. This variant has been reported in an individual affected with hypertrophic cardiomyopathy (PMID: 34500006). This variant has been identified in 18/280770 chromosomes in the general population by the Genome Aggregation Database (gnomAD). The available evidence is insufficient to determine the role of this variant in disease conclusively. Therefore, this variant is classified as a Variant of Uncertain Significance.

GeneDx
Classification: Uncertain significance. Last evaluated: 2024-07-21. Review status: criteria provided, single submitter. Criteria: GeneDx Variant Classification Process June 2021. Collection method: clinical testing. Allele origin: germline. Affected: yes.
Comment: Nonsense variant predicted to result in protein truncation as the last 106 amino acids are lost, although loss-of-function variants have not been reported downstream of this position in the protein; This variant is associated with the following publications: (PMID: 31931689, 31983221, 34500006, 36129056, 35288587)

Fulgent Genetics
Classification: Likely pathogenic for Arrhythmogenic right ventricular dysplasia 10; Dilated cardiomyopathy 1BB. Last evaluated: 2024-04-15. Review status: criteria provided, single submitter. Criteria: ACMG Guidelines, 2015. Collection method: clinical testing. Allele origin: germline.

Ambry Genetics
Classification: Uncertain significance for Cardiovascular phenotype. Last evaluated: 2023-03-27. Review status: criteria provided, single submitter. Criteria: Ambry Variant Classification Scheme 2023. Collection method: clinical testing. Allele origin: germline.
Comment: The p.Y1013* variant (also known as c.3039C>A), located in coding exon 15 of the DSG2 gene, results from a C to A substitution at nucleotide position 3039. This changes the amino acid from a tyrosine to a stop codon within coding exon 15. This alteration occurs at the 3' terminus of theDSG2 gene, is not expected to trigger nonsense-mediated mRNAdecay, and only impacts the last 9% of the protein. The exact functional effect of this alteration is unknown. Additionally, based on data from gnomAD, the frequency for this variant is above the maximum credible frequency for a disease-causing variant in this gene based on internally established thresholds (Karczewski et al. Nature. 2020 May;581(7809):434-443; Whiffin et al. Genet Med. 2017 10;19:1151-1158). Since supporting evidence is limited at this time, the clinical significance of this alteration remains unclear.

Victorian Clinical Genetics Services, Murdoch Childrens Research Institute
Classification: Uncertain significance for Arrhythmogenic right ventricular dysplasia 10. Last evaluated: 2021-05-06. Review status: criteria provided, single submitter. Criteria: ACMG Guidelines, 2015. Collection method: clinical testing. Allele origin: germline. Inheritance: Autosomal dominant inheritance.
Comment: Based on the classification scheme VCGS_Germline_v1.3.4, this variant is classified as VUS-3A. Following criteria are met: 0102 - Loss of function is a known mechanism of disease in this gene and is associated with Arrhythmogenic right ventricular dysplasia 10 (MIM#610193) and Dialted cardiomyopathy 1BB (MIM#612877). (I) 0108 - This gene is known to be associated with both recessive and dominant disease. This gene is usually reported in association with autosomal dominant inheritance with reduced penetrance, however austosomal recessive inheritance has also been observed in more severe cases (OMIM). (I) 0112 - Variants in this gene are known to have reduced penetrance (OMIM). (I) 0205 - Variant is predicted to result in a truncated protein (premature termination codon is NOT located at least 54 nucleotides upstream of the final exon-exon junction) with less than 1/3 of the protein sequence affected. (SP) 0251 - This variant is heterozygous. (I) 0308 - Population frequency for this variant is out of keeping with known incidence of arrhythmogenic right ventricular dysplasia 10 (MIM#610193) and dialted cardiomyopathy 1BB (MIM#612877). (SB) 0601 - Variant is located in the well-established functional domain, desmoglein repeat 5 (Uniprot). It was shown that Dsg unique region (DUR, which contains desmoglein repeat 5) is required for protein stabilization as well as promoting stronger intercellular adhesion (PMID: 23128240). The tyrosine at position 1013 is one of the phosphorylation sites important for the formation of desmosomes and cell adhesion (PMID: 23911551). (SP) 0702 - A few truncation variants downstream to the one identified in this case have strong previous evidence for pathogenicity. These variants have been reported only in patients with Arrhythmogenic right ventricular dysplasia 10 (MIM#610193) but not Dilated cardiomyopathy (MIN#612877) (ClinVar, PMID: 23812740, 21397041, 26296472). (SP) 0808 - Previous reports of pathogenicity for this variant are conflicting. The variant has been previously reported in patients with arrhythmogenic right ventricular dysplasia (ARVD) (ClinVar). It has also been reported as VUS (ClinVar). (I) 0905 - No published segregation evidence has been identified for this variant. (I) 1007 - No published functional evidence has been identified for this variant. (I) 1208 - Inheritance information for this variant is not currently available in this individual. (I) Legend: (SP) - Supporting pathogenic, (I) - Information, (SB) - Supporting benign

CHEO Genetics Diagnostic Laboratory, Children's Hospital of Eastern Ontario
Classification: Uncertain significance for Cardiomyopathy. Last evaluated: 2016-11-30. Review status: criteria provided, single submitter. Criteria: ACMG Guidelines, 2015. Collection method: clinical testing. Allele origin: germline. Study: Canadian Open Genetics Repository.

Juno Genomics, Hangzhou Juno Genomics, Inc
Classification: Uncertain significance for Arrhythmogenic right ventricular dysplasia 10; Dilated cardiomyopathy 1BB. Review status: criteria provided, single submitter. Criteria: ACMG Guidelines, 2015. Collection method: clinical testing. Allele origin: germline.
Comment: Null variant in a gene where loss of function (LOF) is a known mechanism of disease.

Literature cited by the submitters: PubMed 20864495 (cited by Labcorp Genetics (formerly Invitae), Labcorp); PubMed 21397041 (cited by Labcorp Genetics (formerly Invitae), Labcorp and Victorian Clinical Genetics Services, Murdoch Childrens Research Institute); PubMed 23381804 (cited by Labcorp Genetics (formerly Invitae), Labcorp); PubMed 34500006 (cited by Color Diagnostics, LLC DBA Color Health); PubMed 23071725 (cited by Victorian Clinical Genetics Services, Murdoch Childrens Research Institute); PubMed 23128240 (cited by Victorian Clinical Genetics Services, Murdoch Childrens Research Institute); PubMed 23812740 (cited by Victorian Clinical Genetics Services, Murdoch Childrens Research Institute); PubMed 23911551 (cited by Victorian Clinical Genetics Services, Murdoch Childrens Research Institute); PubMed 26296472 (cited by Victorian Clinical Genetics Services, Murdoch Childrens Research Institute).